The following is an entry in ClinVar:

NM_020778.5(ALPK3):c.648C>G (p.Leu216=)

Gene: ALPK3 (alpha kinase 3; plus strand). Cytogenetic location: 15q25.3.
Variant type: single nucleotide variant.
Coding change: c.648C>G on transcript NM_020778.5 (MANE Select); coding-DNA position 648, C replaced by G.
Protein change: p.Leu216=; no amino-acid change (leucine 216 retained).
Molecular consequence: synonymous variant.
Genome position (GRCh38, 1-based): chr15:84,839,927, C>G. VCF-style: chr15-84839927-C-G. GRCh37 (hg19) VCF-style: chr15-85383158-C-G.
Identifiers: ClinVar variation 391059 (VCV000391059.10), dbSNP rs142016958, ClinGen allele CA7709028.

ClinVar aggregate classification (germline): Likely benign. Review status: criteria provided, multiple submitters, no conflicts (2 of 4 stars). 3 submissions from 3 submitters: Likely benign (3). Last evaluated 2025-11-27.

Conditions:
Cardiovascular phenotype. Identifiers: MedGen CN230736.

Allele frequency attached by ClinVar (database versions not stated): TOPMed 0.00002; ExAC 0.00003; ESP Exome Variant Server 0.00015; gnomAD 0.00001; gnomAD exomes 0.00002.
gnomAD v4.1: 37 of 1,613,708 alleles (0.0023%); highest among the groups gnomAD compares: Non-Finnish European, 0.0029%; no homozygotes.

Submissions (3):

Labcorp Genetics (formerly Invitae), Labcorp
Classification: Likely benign. Last evaluated: 2025-11-27. Review status: criteria provided, single submitter. Criteria: Invitae Variant Classification Sherloc (09022015). Collection method: clinical testing. Allele origin: germline.

Ambry Genetics
Classification: Likely benign for Cardiovascular phenotype. Last evaluated: 2021-03-13. Review status: criteria provided, single submitter. Criteria: Ambry Variant Classification Scheme 2023. Collection method: clinical testing. Allele origin: germline.

GeneDx
Classification: Likely benign. Last evaluated: 2016-11-29. Review status: criteria provided, single submitter. Criteria: GeneDx Variant Classification (06012015). Collection method: clinical testing. Allele origin: germline. Affected: yes.
Comment: This variant is considered likely benign or benign based on one or more of the following criteria: it is a conservative change, it occurs at a poorly conserved position in the protein, it is predicted to be benign by multiple in silico algorithms, and/or has population frequency not consistent with disease.